The following is an entry in ClinVar:

ClinVar aggregate classification (germline): Uncertain significance (1 of 4 stars; one submission).

Conditions:
L-2-hydroxyglutaric aciduria (L2HGA). Identifiers: Orphanet 79314, MedGen C1855995, MONDO:0009370, OMIM 236792, HP:0040144.

Allele frequency attached by ClinVar (database versions not stated): gnomAD exomes below 0.00001.
gnomAD v4.1: 3 of 1,613,928 alleles (0.00019%); highest among the groups gnomAD compares: Non-Finnish European, 0.00025%; no homozygotes.

Submission:

Labcorp Genetics (formerly Invitae), Labcorp
Classification: Uncertain significance for L-2-hydroxyglutaric aciduria. Last evaluated: 2023-09-22. Review status: criteria provided, single submitter. Criteria: Invitae Variant Classification Sherloc (09022015). Collection method: clinical testing. Allele origin: germline.
Comment: This missense change has been observed in individual(s) with clinical features of L-2-hydroxyglutaric aciduria (Invitae). This sequence change replaces aspartic acid, which is acidic and polar, with glutamic acid, which is acidic and polar, at codon 264 of the L2HGDH protein (p.Asp264Glu). This variant is not present in population databases (gnomAD no frequency). Advanced modeling of protein sequence and biophysical properties (such as structural, functional, and spatial information, amino acid conservation, physicochemical variation, residue mobility, and thermodynamic stability) performed at Invitae indicates that this missense variant is expected to disrupt L2HGDH protein function. In summary, the available evidence is currently insufficient to determine the role of this variant in disease. Therefore, it has been classified as a Variant of Uncertain Significance.

NM_024884.3(L2HGDH):c.792C>G (p.Asp264Glu)

Gene: L2HGDH (L-2-hydroxyglutarate dehydrogenase; minus strand). Cytogenetic location: 14q21.3.
Variant type: single nucleotide variant.
Coding change: c.792C>G on transcript NM_024884.3 (MANE Select); coding-DNA position 792, C replaced by G.
Protein change: p.Asp264Glu; replaces aspartic acid 264 with glutamic acid.
Molecular consequence: missense variant.
Genome position (GRCh38, 1-based): chr14:50,269,277, G>C on the plus strand (C>G on the coding strand, the complement: L2HGDH is on the minus strand). VCF-style: chr14-50269277-G-C. GRCh37 (hg19) VCF-style: chr14-50735995-G-C.
Other names: c.792C>G, p.Asp264Glu (NM_001425212.1); c.681C>G, p.Asp227Glu (NM_001425213.1, NM_001425214.1); c.246C>G, p.Asp82Glu (NM_001425215.1, NM_001425216.1, NM_001425217.1 and 1 more transcripts); short protein forms D82E, D227E, D264E.
Identifiers: ClinVar variation 2996687 (VCV002996687.3), dbSNP rs757244874, ClinGen allele CA389650524.